The following is an entry in ClinVar:

ClinVar aggregate classification (germline): Uncertain significance (1 of 4 stars; one submission).

Submission:

CeGaT Center for Human Genetics Tuebingen
Classification: Uncertain significance. Last evaluated: 2026-03-01. Review status: criteria provided, single submitter. Criteria: CeGaT Center For Human Genetics Tuebingen Variant Classification Criteria Version 2. Collection method: clinical testing. Allele origin: germline. Affected: yes. Observed: 1 variant allele.
Comment: LRP1: PM2:Supporting, PP3

NM_002332.3(LRP1):c.12543A>G (p.Thr4181=)

Gene: LRP1 (LDL receptor related protein 1; plus strand). Cytogenetic location: 12q13.3.
Variant type: single nucleotide variant.
Coding change: c.12543A>G on transcript NM_002332.3 (MANE Select); coding-DNA position 12543, A replaced by G.
Protein change: p.Thr4181=; no amino-acid change (threonine 4181 retained).
Molecular consequence: synonymous variant.
Genome position (GRCh38, 1-based): chr12:57,210,132, A>G. VCF-style: chr12-57210132-A-G. GRCh37 (hg19) VCF-style: chr12-57603915-A-G.
Identifiers: ClinVar variation 4823626 (VCV004823626.4).